The following is an entry in ClinVar:

ClinVar aggregate classification (germline): Pathogenic (1 of 4 stars; one submission).

Conditions:
Hereditary cancer-predisposing syndrome. Also called: Neoplastic Syndromes, Hereditary; Tumor predisposition; Hereditary Cancer Syndrome; Hereditary neoplastic syndrome. Identifiers: Orphanet 140162, MedGen C0027672, MeSH D009386, MONDO:0015356.

Submission:

Ambry Genetics
Classification: Pathogenic for Hereditary cancer-predisposing syndrome. Last evaluated: 2018-01-15. Review status: criteria provided, single submitter. Criteria: Ambry Variant Classification Scheme 2023. Collection method: clinical testing. Allele origin: germline.
Comment: The c.1532delA pathogenic mutation, located in coding exon 13 of the MRE11A gene, results from a deletion of one nucleotide at nucleotide position 1532, causing a translational frameshift with a predicted alternate stop codon. This alteration is expected to result in loss of function by premature protein truncation or nonsense-mediated mRNA decay. As such, this alteration is interpreted as a disease-causing mutation.

NM_005591.4(MRE11):c.1532del (p.Asn511fs)

Gene: MRE11 (MRE11 double strand break repair nuclease; minus strand). Cytogenetic location: 11q21.
Variant type: Deletion.
Coding change: c.1532del on transcript NM_005591.4 (MANE Select); coding-DNA position 1532, one base deleted (A; older notation c.1532delA).
Protein change: p.Asn511fs; shifts the reading frame from asparagine 511.
Molecular consequence: frameshift variant.
Genome position (GRCh38, 1-based): chr11:94,456,307, T deleted on the plus strand (A on the coding strand, the reverse complement: MRE11 is on the minus strand); the first of 7 consecutive T bases (chr11:94,456,307-94,456,313); deleting any one gives the same sequence. VCF-style (leftmost placement, unchanged base first): chr11-94456306-AT-A. GRCh37 (hg19) VCF-style: chr11-94189472-AT-A.
Other names: c.1532del, p.Asn511fs (NM_001330347.2, NM_005590.4); c.1532delA (NM_005591.3); short protein forms N511fs.
Identifiers: ClinVar variation 1799895 (VCV001799895.2), dbSNP rs757691558, ClinGen allele CA6235049.